The following is an entry in ClinVar:

NM_019066.5(MAGEL2):c.1289T>A (p.Val430Glu)

Gene: MAGEL2 (MAGE family member L2; minus strand). Cytogenetic location: 15q11.2.
Variant type: single nucleotide variant.
Coding change: c.1289T>A on transcript NM_019066.5 (MANE Select); coding-DNA position 1289, T replaced by A.
Protein change: p.Val430Glu; replaces valine 430 with glutamic acid.
Molecular consequence: missense variant.
Genome position (GRCh38, 1-based): chr15:23,646,454, A>T on the plus strand (T>A on the coding strand, the complement: MAGEL2 is on the minus strand). VCF-style: chr15-23646454-A-T. GRCh37 (hg19) VCF-style: chr15-23891601-A-T.
Other names: short protein forms V430E.
Identifiers: ClinVar variation 3292692 (VCV003292692.4).

ClinVar aggregate classification (germline): Uncertain significance. Review status: criteria provided, multiple submitters, no conflicts (2 of 4 stars). 3 submissions from 3 submitters: Uncertain significance (3). Last evaluated 2026-06-22.

Conditions:
MAGEL2-related disorder. Also called: MAGEL2-related condition.
Inborn genetic diseases. Identifiers: MedGen C0950123, MeSH D030342.

gnomAD v4.1: 77 of 1,422,646 alleles (0.0054%); highest among the groups gnomAD compares: Non-Finnish European, 0.0069%; no homozygotes.

Submissions (3):

PreventionGenetics, part of Exact Sciences
Classification: Uncertain significance for MAGEL2-related condition. Last evaluated: 2026-06-22. Review status: criteria provided, single submitter. Criteria: ACMG Guidelines, 2015. Collection method: clinical testing. Allele origin: germline.
Comment: The MAGEL2 c.1289T>A variant is predicted to result in the amino acid substitution p.Val430Glu. To our knowledge, this variant has not been reported in the literature or in a large population database (gnomAD), indicating this variant is rare. At this time, the clinical significance of this variant is uncertain due to the absence of conclusive functional and genetic evidence.

Labcorp Genetics (formerly Invitae), Labcorp
Classification: Uncertain significance. Last evaluated: 2025-06-15. Review status: criteria provided, single submitter. Criteria: Invitae Variant Classification Sherloc (09022015). Collection method: clinical testing. Allele origin: germline.
Comment: This sequence change replaces valine, which is neutral and non-polar, with glutamic acid, which is acidic and polar, at codon 430 of the MAGEL2 protein (p.Val430Glu). This variant is not present in population databases (gnomAD no frequency). This variant has not been reported in the literature in individuals affected with MAGEL2-related conditions. ClinVar contains an entry for this variant (Variation ID: 3292692). Experimental studies and prediction algorithms are not available or were not evaluated, and the functional significance of this variant is currently unknown. In summary, the available evidence is currently insufficient to determine the role of this variant in disease. Therefore, it has been classified as a Variant of Uncertain Significance.

Ambry Genetics
Classification: Uncertain significance for Inborn genetic diseases. Last evaluated: 2024-05-14. Review status: criteria provided, single submitter. Criteria: Ambry Variant Classification Scheme 2023. Collection method: clinical testing. Allele origin: germline.